The following is an entry in ClinVar:

ClinVar aggregate classification (germline): Uncertain significance (1 of 4 stars; one submission).

Conditions:
Dystonic disorder. Also called: Dystonia. Identifiers: MedGen C0013421, MONDO:0003441, HP:0001332.

gnomAD v4.1: 40 of 1,614,220 alleles (0.0025%); highest among the groups gnomAD compares: Non-Finnish European, 0.0034%; no homozygotes.

Submission:

Labcorp Genetics (formerly Invitae), Labcorp
Classification: Uncertain significance for Dystonic disorder. Last evaluated: 2024-09-11. Review status: criteria provided, single submitter. Criteria: Invitae Variant Classification Sherloc (09022015). Collection method: clinical testing. Allele origin: germline.
Comment: This sequence change replaces proline, which is neutral and non-polar, with serine, which is neutral and polar, at codon 347 of the DRD2 protein (p.Pro347Ser). This variant is present in population databases (rs200340299, gnomAD 0.0009%). This variant has not been reported in the literature in individuals affected with DRD2-related conditions. An algorithm developed to predict the effect of missense changes on protein structure and function (PolyPhen-2) suggests that this variant is likely to be tolerated. In summary, the available evidence is currently insufficient to determine the role of this variant in disease. Therefore, it has been classified as a Variant of Uncertain Significance.

NM_000795.4(DRD2):c.1039C>T (p.Pro347Ser)

Gene: DRD2 (dopamine receptor D2; minus strand). Cytogenetic location: 11q23.2.
Variant type: single nucleotide variant.
Coding change: c.1039C>T on transcript NM_000795.4 (MANE Select); coding-DNA position 1039, C replaced by T.
Protein change: p.Pro347Ser; replaces proline 347 with serine.
Molecular consequence: missense variant.
Genome position (GRCh38, 1-based): chr11:113,412,655, G>A on the plus strand (C>T on the coding strand, the complement: DRD2 is on the minus strand). VCF-style: chr11-113412655-G-A. GRCh37 (hg19) VCF-style: chr11-113283377-G-A.
Other names: c.952C>T, p.Pro318Ser (NM_016574.4); short protein forms P347S, P318S.
Identifiers: ClinVar variation 3705742 (VCV003705742.2).